The following is an entry in ClinVar:

NM_016938.5(EFEMP2):c.77C>T (p.Ser26Phe)

Gene: EFEMP2 (EGF containing fibulin extracellular matrix protein 2; minus strand). Cytogenetic location: 11q13.1.
Variant type: single nucleotide variant.
Coding change: c.77C>T on transcript NM_016938.5 (MANE Select); coding-DNA position 77, C replaced by T.
Protein change: p.Ser26Phe; replaces serine 26 with phenylalanine.
Molecular consequence: missense variant. On other transcripts: non-coding transcript variant (1).
Genome position (GRCh38, 1-based): chr11:65,872,278, G>A on the plus strand (C>T on the coding strand, the complement: EFEMP2 is on the minus strand). VCF-style: chr11-65872278-G-A. GRCh37 (hg19) VCF-style: chr11-65639749-G-A.
Other names: short protein forms S26F.
Identifiers: ClinVar variation 2563691 (VCV002563691.2), dbSNP rs1213628598, ClinGen allele CA381311334.

ClinVar aggregate classification (germline): Uncertain significance (1 of 4 stars; one submission).

Conditions:
Cardiovascular phenotype. Identifiers: MedGen CN230736.

Allele frequency attached by ClinVar (database versions not stated): gnomAD exomes below 0.00001; TOPMed below 0.00001.
gnomAD v4.1: 3 of 1,551,688 alleles (0.00019%); highest among the groups gnomAD compares: African/African-American, 0.0014%; no homozygotes.

Submission:

Ambry Genetics
Classification: Uncertain significance for Cardiovascular phenotype. Last evaluated: 2023-06-12. Review status: criteria provided, single submitter. Criteria: Ambry Variant Classification Scheme 2023. Collection method: clinical testing. Allele origin: germline.
Comment: The p.S26F variant (also known as c.77C>T), located in coding exon 1 of the EFEMP2 gene, results from a C to T substitution at nucleotide position 77. The serine at codon 26 is replaced by phenylalanine, an amino acid with highly dissimilar properties. This amino acid position is conserved. In addition, this alteration is predicted to be tolerated by in silico analysis. Since supporting evidence is limited at this time, the clinical significance of this alteration remains unclear.